The following is an entry in ClinVar:

ClinVar aggregate classification (germline): Likely benign. Review status: criteria provided, single submitter (1 of 4 stars). 2 submissions from 2 submitters: Likely benign (1). 1 of the submissions does not count toward it. Last evaluated 2025-06-29.

Conditions:
ATR-related disorder. Also called: ATR-related condition.

Allele frequency attached by ClinVar (database versions not stated): TOPMed 0.00003; gnomAD 0.00004; ExAC 0.00002; gnomAD exomes 0.00003.
gnomAD v4.1: 52 of 1,608,568 alleles (0.0032%); highest among the groups gnomAD compares: Non-Finnish European, 0.0043%; no homozygotes.

Submissions (2):

Labcorp Genetics (formerly Invitae), Labcorp
Classification: Likely benign. Last evaluated: 2025-06-29. Review status: criteria provided, single submitter. Criteria: Invitae Variant Classification Sherloc (09022015). Collection method: clinical testing. Allele origin: germline.

PreventionGenetics, part of Exact Sciences
Classification: Likely benign for ATR-related condition. Last evaluated: 2019-11-04. Review status: no assertion criteria provided. Collection method: clinical testing. Allele origin: germline. Not counted in ClinVar's aggregate classification.
Comment: This variant is classified as likely benign based on ACMG/AMP sequence variant interpretation guidelines (Richards et al. 2015 PMID: 25741868, with internal and published modifications).

NM_001184.4(ATR):c.3725+10C>T

Gene: ATR (ATR checkpoint kinase; minus strand). Cytogenetic location: 3q23.
Variant type: single nucleotide variant.
Coding change: c.3725+10C>T on transcript NM_001184.4 (MANE Select); 10 bases into the intron after coding-DNA position 3725, C replaced by T.
Molecular consequence: intron variant.
Genome position (GRCh38, 1-based): chr3:142,538,472, G>A on the plus strand (C>T on the coding strand, the complement: ATR is on the minus strand). VCF-style: chr3-142538472-G-A. GRCh37 (hg19) VCF-style: chr3-142257314-G-A.
Other names: c.3533+10C>T (NM_001354579.2); c.3725+10C>T (NM_001184.3).
Identifiers: ClinVar variation 2169875 (VCV002169875.6), dbSNP rs772119587, ClinGen allele CA2650028.
Genomic context (GRCh38, chr3:142,538,472, plus strand): 5'-TCAGTAATTTTGAGACATAAAAATACAGTTTAAAAAGTTATTATTTTACTATTAATTTCA[G>A]TTACAATACCTGTTTTCAATTATGAGGTAGTGGAAGATAGCTGCAGTTTCTTTAGGCTGG-3'